The following is an entry in ClinVar:

ClinVar aggregate classification (germline): Uncertain significance. Review status: criteria provided, multiple submitters, no conflicts (2 of 4 stars). 4 submissions from 4 submitters: Uncertain significance (4). Last evaluated 2025-11-08.

Conditions:
Inborn genetic diseases. Identifiers: MedGen C0950123, MeSH D030342.
Beta-D-mannosidosis (MANSB). Also called: Beta-Mannosidosis; MANNOSIDOSIS, BETA A, LYSOSOMAL; BETA-MANNOSIDASE DEFICIENCY; LYSOSOMAL BETA-MANNOSIDASE DEFICIENCY. Identifiers: Orphanet 118, MedGen C4048196, MONDO:0009562, OMIM 248510.

Allele frequency attached by ClinVar (database versions not stated): gnomAD 0.00001 and 0.00006; TOPMed 0.00002; gnomAD exomes 0.00003 and 0.00012; ExAC 0.00011; 1000 Genomes Project 30x 0.00062; 1000 Genomes Project 0.00080.
gnomAD v4.1: 66 of 1,613,512 alleles (0.0041%); highest among the groups gnomAD compares: East Asian, 0.069%; 1 homozygote.

Submissions (4):

Ambry Genetics
Classification: Uncertain significance for Inborn genetic diseases. Last evaluated: 2025-11-08. Review status: criteria provided, single submitter. Criteria: Ambry Variant Classification Scheme 2023. Collection method: clinical testing. Allele origin: germline.

GeneDx
Classification: Uncertain significance. Last evaluated: 2024-05-13. Review status: criteria provided, single submitter. Criteria: GeneDx Variant Classification Process June 2021. Collection method: clinical testing. Allele origin: germline. Affected: yes.
Comment: In silico analysis indicates that this missense variant does not alter protein structure/function; Has not been previously published as pathogenic or benign to our knowledge

Labcorp Genetics (formerly Invitae), Labcorp
Classification: Uncertain significance for Beta-D-mannosidosis. Last evaluated: 2022-05-25. Review status: criteria provided, single submitter. Criteria: Invitae Variant Classification Sherloc (09022015). Collection method: clinical testing. Allele origin: germline.
Comment: This sequence change replaces glutamic acid, which is acidic and polar, with lysine, which is basic and polar, at codon 848 of the MANBA protein (p.Glu848Lys). This variant is present in population databases (rs536554772, gnomAD 0.1%). This variant has not been reported in the literature in individuals affected with MANBA-related conditions. ClinVar contains an entry for this variant (Variation ID: 1176032). Algorithms developed to predict the effect of missense changes on protein structure and function output the following: SIFT: "Tolerated"; PolyPhen-2: "Benign"; Align-GVGD: "Class C0". The lysine amino acid residue is found in multiple mammalian species, which suggests that this missense change does not adversely affect protein function. In summary, the available evidence is currently insufficient to determine the role of this variant in disease. Therefore, it has been classified as a Variant of Uncertain Significance.

CeGaT Center for Human Genetics Tuebingen
Classification: Uncertain significance. Last evaluated: 2021-04-01. Review status: criteria provided, single submitter. Criteria: CeGaT Center For Human Genetics Tuebingen Variant Classification Criteria Version 2. Collection method: clinical testing. Allele origin: germline. Affected: yes. Observed: 2 variant alleles.

NM_005908.4(MANBA):c.2542G>A (p.Glu848Lys)

Gene: MANBA (mannosidase beta; minus strand). Cytogenetic location: 4q24.
Variant type: single nucleotide variant.
Coding change: c.2542G>A on transcript NM_005908.4 (MANE Select); coding-DNA position 2542, G replaced by A.
Protein change: p.Glu848Lys; replaces glutamic acid 848 with lysine.
Molecular consequence: missense variant.
Genome position (GRCh38, 1-based): chr4:102,632,155, C>T on the plus strand (G>A on the coding strand, the complement: MANBA is on the minus strand). VCF-style: chr4-102632155-C-T. GRCh37 (hg19) VCF-style: chr4-103553312-C-T.
Other names: c.2542G>A (NM_005908.3); short protein forms E848K.
Identifiers: ClinVar variation 1176032 (VCV001176032.38), dbSNP rs536554772, ClinGen allele CA3026591.